The following is an entry in ClinVar:

ClinVar aggregate classification (germline): Conflicting classifications of pathogenicity. Review status: criteria provided, conflicting classifications (1 of 4 stars). 6 submissions from 6 submitters: Uncertain significance (1); Likely benign (4). 1 of the submissions does not count toward it. Last evaluated 2026-01-09.

Conditions:
Hereditary cancer-predisposing syndrome. Also called: Hereditary neoplastic syndrome; Neoplastic Syndromes, Hereditary; Tumor predisposition; Hereditary Cancer Syndrome. Identifiers: Orphanet 140162, MedGen C0027672, MeSH D009386, MONDO:0015356.
Fanconi anemia complementation group J. Also called: BRIP1-Related Fanconi Anemia. Identifiers: Orphanet 84, MedGen C1836860, MONDO:0012187, OMIM 609054.
Familial cancer of breast. Also called: BREAST CANCER, FAMILIAL; hereditary breast carcinoma; Hereditary breast cancer. Identifiers: Orphanet 227535, MedGen C0346153, MONDO:0016419, OMIM 114480. Disease mechanism: loss of function.

Allele frequency attached by ClinVar (database versions not stated): gnomAD exomes below 0.00001; ExAC 0.00001; gnomAD 0.00001; TOPMed 0.00001.
gnomAD v4.1: 1 of 1,606,810 alleles (0.000062%); no homozygotes.

Submissions (6):

Labcorp Genetics (formerly Invitae), Labcorp
Classification: Likely benign for Familial cancer of breast; Fanconi anemia complementation group J. Last evaluated: 2026-01-09. Review status: criteria provided, single submitter. Criteria: Invitae Variant Classification Sherloc (09022015). Collection method: clinical testing. Allele origin: germline.

Women's Health and Genetics/Laboratory Corporation of America, LabCorp
Classification: Likely benign. Last evaluated: 2025-04-16. Review status: criteria provided, single submitter. Criteria: LabCorp Variant Classification Summary - May 2015. Collection method: clinical testing. Allele origin: germline.
Comment: Variant summary: BRIP1 c.380-7A>G alters a non-conserved nucleotide located at a position not widely known to affect splicing. Consensus agreement among computation tools predict no significant impact on normal splicing. However, these predictions have yet to be confirmed by functional studies. The variant allele was found at a frequency of 4.1e-06 in 246096 control chromosomes. The available data on variant occurrences in the general population are insufficient to allow any conclusion about variant significance. To our knowledge, no occurrence of c.380-7A>G in individuals affected with Hereditary Breast And Ovarian Cancer Syndrome and no experimental evidence demonstrating its impact on protein function have been reported. ClinVar contains an entry for this variant (Variation ID: 461167). Based on the evidence outlined above, the variant was classified as likely benign.

Myriad Genetics, Inc.
Classification: Likely benign for Familial cancer of breast. Last evaluated: 2024-08-21. Review status: criteria provided, single submitter. Criteria: Myriad Autosomal Dominant, Autosomal Recessive and X-Linked Classification Criteria (2023). Collection method: clinical testing. Allele origin: unknown.
Comment: This variant is considered likely benign. This variant is intronic and is not expected to impact mRNA splicing.

Color Diagnostics, LLC DBA Color Health
Classification: Likely benign for Hereditary cancer-predisposing syndrome. Last evaluated: 2020-05-11. Review status: criteria provided, single submitter. Criteria: ACMG Guidelines, 2015. Collection method: clinical testing. Allele origin: germline.

Ambry Genetics
Classification: Uncertain significance for Hereditary cancer-predisposing syndrome. Last evaluated: 2015-05-13. Review status: criteria provided, single submitter. Criteria: Ambry Variant Classification Scheme 2023. Collection method: clinical testing. Allele origin: germline.
Comment: The c.380-7A>G intronic alteration consists of a A to G substitution 7 nucleotides before coding exon 4 in the BRIP1 gene. Based on insufficient or conflicting evidence, the clinical significance of this alteration remains unclear.

Institute for Biomarker Research, Medical Diagnostic Laboratories, L.L.C.
Classification: Likely benign for Hereditary cancer-predisposing syndrome. Last evaluated: 2021-11-09. Review status: no assertion criteria provided. Collection method: clinical testing. Allele origin: germline. Not counted in ClinVar's aggregate classification.

NM_032043.3(BRIP1):c.380-7A>G

Gene: BRIP1 (BRCA1 interacting DNA helicase 1; minus strand). Cytogenetic location: 17q23.2.
Variant type: single nucleotide variant.
Coding change: c.380-7A>G on transcript NM_032043.3 (MANE Select); 7 bases into the intron before coding-DNA position 380, A replaced by G.
Molecular consequence: intron variant.
Genome position (GRCh38, 1-based): chr17:61,849,263, T>C on the plus strand (A>G on the coding strand, the complement: BRIP1 is on the minus strand). VCF-style: chr17-61849263-T-C. GRCh37 (hg19) VCF-style: chr17-59926624-T-C.
Identifiers: ClinVar variation 461167 (VCV000461167.21), dbSNP rs748143260, ClinGen allele CA8690939.